The following is an entry in ClinVar:

ClinVar aggregate classification (germline): Uncertain significance (0 of 4 stars; one submission).

Conditions:
NR0B2-related disorder. Also called: NR0B2-related condition.

gnomAD v4.1: 54 of 1,513,846 alleles (0.0036%); highest among the groups gnomAD compares: Non-Finnish European, 0.0047%; no homozygotes.

Submission:

PreventionGenetics, part of Exact Sciences
Classification: Uncertain significance for NR0B2-related condition. Last evaluated: 2024-04-11. Review status: no assertion criteria provided. Collection method: clinical testing. Allele origin: germline.
Comment: The NR0B2 c.123T>G variant is predicted to result in the amino acid substitution p.Cys41Trp. To our knowledge, this variant has not been reported in the literature. This variant is reported in 0.0020% of alleles in individuals of European (Non-Finnish) descent in gnomAD. At this time, the clinical significance of this variant is uncertain due to the absence of conclusive functional and genetic evidence.

NM_021969.3(NR0B2):c.123T>G (p.Cys41Trp)

Genes: NR0B2 (nuclear receptor subfamily 0 group B member 2; minus strand), NUDC (nuclear distribution C, dynein complex regulator; plus strand). Cytogenetic location: 1p36.11.
Variant type: single nucleotide variant.
Coding change: c.123T>G on transcript NM_021969.3 (MANE Select); coding-DNA position 123, T replaced by G.
Protein change: p.Cys41Trp; replaces cysteine 41 with tryptophan.
Molecular consequence: missense variant.
Genome position (GRCh38, 1-based): chr1:26,913,818, A>C on the plus strand (T>G on the coding strand, the complement: NR0B2 is on the minus strand). VCF-style: chr1-26913818-A-C. GRCh37 (hg19) VCF-style: chr1-27240309-A-C.
Other names: short protein forms C41W.
Identifiers: ClinVar variation 3351480 (VCV003351480.1).